The following is an entry in ClinVar:

ClinVar aggregate classification (germline): Pathogenic (1 of 4 stars; one submission).

Submission:

GeneDx
Classification: Pathogenic. Last evaluated: 2016-08-23. Review status: criteria provided, single submitter. Criteria: GeneDx Variant Classification (06012015). Collection method: clinical testing. Allele origin: germline. Affected: yes.
Comment: The c.1996-1G>A pathogenic variant in the COL2A1 gene has has been reported in the Leiden Open Variation Database in two patients with Stickler syndrome type 1, without additional clinical details(Barat-Houari et al., 2016a). This splice site variant destroys the canonical splice acceptor site in intron 30. It is predicted to cause abnormal gene splicing, either leading to an abnormal message that issubject to nonsense-mediated mRNA decay, or to an abnormal protein product if the message is used for protein translation. The c.1996-1G>A variant was not observed in approximately 6500 individualsof European and African American ancestry in the NHLBI Exome Sequencing Project, indicating it is not a common benign variant in these populations. We interpret the c.1996-1G>A variant in theCOL2A1 gene as a pathogenic variant.

NM_001844.5(COL2A1):c.1996-1G>A

Gene: COL2A1 (collagen type II alpha 1 chain; minus strand). Cytogenetic location: 12q13.11.
Variant type: single nucleotide variant.
Coding change: c.1996-1G>A on transcript NM_001844.5 (MANE Select); the canonical splice acceptor site of the intron before coding-DNA position 1996, G replaced by A.
Molecular consequence: splice acceptor variant.
Genome position (GRCh38, 1-based): chr12:47,983,439, C>T on the plus strand (G>A on the coding strand, the complement: COL2A1 is on the minus strand). VCF-style: chr12-47983439-C-T. GRCh37 (hg19) VCF-style: chr12-48377222-C-T.
Other names: c.1789-1G>A (NM_033150.3).
Identifiers: ClinVar variation 280791 (VCV000280791.2), dbSNP rs886041935, ClinGen allele CA10603191.
Genomic context (GRCh38, chr12:47,983,439, plus strand): 5'-ACTCACCTGGTCACCTGGTTTTCCACCTTCACCTGGGGGACCAGGAGGGCCAGGAAGTCC[C>T]TAGAAGCCGAAGTGACAAGCGTTAGCAAAGGAGTGAGTTTGCTGCCCTGGCCCCCAGGGA-3'